The following is an entry in ClinVar:

NM_001020658.2(PUM1):c.1025_1039del (p.Ser342_Pro346del)

Gene: PUM1 (pumilio RNA binding family member 1; minus strand). Cytogenetic location: 1p35.2.
Variant type: Deletion.
Coding change: c.1025_1039del on transcript NM_001020658.2 (MANE Select); coding-DNA positions 1025 to 1039, 15 bases deleted (CCCAGAGTGTCCCCT).
Protein change: p.Ser342_Pro346del.
Molecular consequence: inframe deletion.
Genome position (GRCh38, 1-based): chr1:30,992,509-30,992,523, AGGGGACACTCTGGG deleted on the plus strand (CCCAGAGTGTCCCCT on the coding strand, the reverse complement: PUM1 is on the minus strand); deleting any 15 consecutive bases within chr1:30,992,509-30,992,524 gives the same sequence; the c. name uses the placement nearest the transcript's 3' end. VCF-style (leftmost placement, unchanged base first): chr1-30992508-AAGGGGACACTCTGGG-A. GRCh37 (hg19) VCF-style: chr1-31465355-AAGGGGACACTCTGGG-A.
Other names: c.1025_1039del, p.Ser342_Pro346del (NM_014676.3).
Identifiers: ClinVar variation 2576121 (VCV002576121.1), dbSNP rs1191813397, ClinGen allele CA522359698.

ClinVar aggregate classification (germline): Uncertain significance (1 of 4 stars; one submission).

Submission:

Institute for Clinical Genetics, University Hospital TU Dresden, University Hospital TU Dresden
Classification: Uncertain significance. Last evaluated: 2023-07-13. Review status: criteria provided, single submitter. Criteria: ACMG Guidelines, 2015. Collection method: clinical testing. Allele origin: germline.
Comment: PM4, PM2_SUP